The following is an entry in ClinVar:

NM_002471.4(MYH6):c.4798C>A (p.Gln1600Lys)

Genes: MYH6 (myosin heavy chain 6; minus strand), LOC126861896 (BRD4-independent group 4 enhancer GRCh37_chr14:23854904-23856103; plus strand). Cytogenetic location: 14q11.2.
Variant type: single nucleotide variant.
Coding change: c.4798C>A on transcript NM_002471.4 (MANE Select); coding-DNA position 4798, C replaced by A.
Protein change: p.Gln1600Lys; replaces glutamine 1600 with lysine.
Molecular consequence: missense variant.
Genome position (GRCh38, 1-based): chr14:23,386,476, G>T on the plus strand (C>A on the coding strand, the complement: MYH6 is on the minus strand). VCF-style: chr14-23386476-G-T. GRCh37 (hg19) VCF-style: chr14-23855685-G-T.
Other names: short protein forms Q1600K.
Identifiers: ClinVar variation 928728 (VCV000928728.15), dbSNP rs770068575, ClinGen allele CA7114635.

ClinVar aggregate classification (germline): Uncertain significance. Review status: criteria provided, multiple submitters, no conflicts (2 of 4 stars). 6 submissions from 6 submitters: Uncertain significance (6). Last evaluated 2026-04-09.

Conditions:
Hypertrophic cardiomyopathy 14. Identifiers: MedGen C2750467, MONDO:0013197, OMIM 613251.
Cardiovascular phenotype. Identifiers: MedGen CN230736.
MYH6-related disorder. Also called: MYH6-Related Disorders; MYH6-related condition.

Allele frequency attached by ClinVar (database versions not stated): gnomAD 0.00001; TOPMed 0.00001; ExAC 0.00003.
gnomAD v4.1: 7 of 1,614,048 alleles (0.00043%); highest among the groups gnomAD compares: Admixed American, 0.012%; no homozygotes.

Submissions (6):

PreventionGenetics, part of Exact Sciences
Classification: Uncertain significance for MYH6-related condition. Last evaluated: 2026-04-09. Review status: criteria provided, single submitter. Criteria: ACMG Guidelines, 2015. Collection method: clinical testing. Allele origin: germline.
Comment: The MYH6 c.4798C>A variant is predicted to result in the amino acid substitution p.Gln1600Lys. To our knowledge, this variant has not been reported in the literature. This variant is reported in 0.014% of alleles in individuals of Latino descent in gnomAD. At this time, the clinical significance of this variant is uncertain due to the absence of conclusive functional and genetic evidence.

Ambry Genetics
Classification: Uncertain significance for Cardiovascular phenotype. Last evaluated: 2025-01-19. Review status: criteria provided, single submitter. Criteria: Ambry Variant Classification Scheme 2023. Collection method: clinical testing. Allele origin: germline.
Comment: The p.Q1600K variant (also known as c.4798C>A), located in coding exon 31 of the MYH6 gene, results from a C to A substitution at nucleotide position 4798. The glutamine at codon 1600 is replaced by lysine, an amino acid with similar properties. This amino acid position is conserved. In addition, this alteration is predicted to be deleterious by in silico analysis. Since supporting evidence is limited at this time, the clinical significance of this alteration remains unclear.

Labcorp Genetics (formerly Invitae), Labcorp
Classification: Uncertain significance for Hypertrophic cardiomyopathy 14. Last evaluated: 2024-02-22. Review status: criteria provided, single submitter. Criteria: Invitae Variant Classification Sherloc (09022015). Collection method: clinical testing. Allele origin: germline.
Comment: This sequence change replaces glutamine, which is neutral and polar, with lysine, which is basic and polar, at codon 1600 of the MYH6 protein (p.Gln1600Lys). This variant is present in population databases (rs770068575, gnomAD 0.01%). This variant has not been reported in the literature in individuals affected with MYH6-related conditions. ClinVar contains an entry for this variant (Variation ID: 928728). Advanced modeling of protein sequence and biophysical properties (such as structural, functional, and spatial information, amino acid conservation, physicochemical variation, residue mobility, and thermodynamic stability) performed at Invitae indicates that this missense variant is not expected to disrupt MYH6 protein function with a negative predictive value of 80%. In summary, the available evidence is currently insufficient to determine the role of this variant in disease. Therefore, it has been classified as a Variant of Uncertain Significance.

AiLife Diagnostics
Classification: Uncertain significance. Last evaluated: 2021-12-30. Review status: criteria provided, single submitter. Criteria: ACMG Guidelines, 2015. Collection method: clinical testing. Allele origin: germline. Affected: yes. Observed: 1 variant allele.

GeneDx
Classification: Uncertain significance. Last evaluated: 2021-01-26. Review status: criteria provided, single submitter. Criteria: GeneDx Variant Classification Process June 2021. Collection method: clinical testing. Allele origin: germline. Affected: yes.
Comment: Has not been previously published as pathogenic or benign to our knowledge; Not observed at a significant frequency in large population cohorts (Lek et al., 2016); In silico analysis, which includes protein predictors and evolutionary conservation, supports a deleterious effect

Women's Health and Genetics/Laboratory Corporation of America, LabCorp
Classification: Uncertain significance. Last evaluated: 2019-11-25. Review status: criteria provided, single submitter. Criteria: LabCorp Variant Classification Summary - May 2015. Collection method: clinical testing. Allele origin: germline.
Comment: Variant summary: MYH6 c.4798C>A (p.Gln1600Lys) results in a conservative amino acid change located in the Myosin tail domain (IPR002928) of the encoded protein sequence. Four of five in-silico tools predict a damaging effect of the variant on protein function. The variant allele was found at a frequency of 2e-05 in 251490 control chromosomes (gnomAD). The available data on variant occurrences in the general population are insufficient to allow any conclusion about variant significance. To our knowledge, no occurrence of c.4798C>A in individuals affected with Cardiomyopathy and no experimental evidence demonstrating an impact on protein function have been reported. No clinical diagnostic laboratories have submitted clinical-significance assessments for this variant to ClinVar after 2014. Based on the evidence outlined above, the variant was classified as uncertain significance.